The following is an entry in ClinVar:

ClinVar aggregate classification (germline): Pathogenic (1 of 4 stars; one submission).

Conditions:
GATA3-related disorder. Also called: GATA3-related condition.

Submission:

PreventionGenetics, part of Exact Sciences
Classification: Pathogenic for GATA3-related condition. Last evaluated: 2026-05-14. Review status: criteria provided, single submitter. Criteria: ACMG Guidelines, 2015. Collection method: clinical testing. Allele origin: germline.
Comment: The GATA3 c.1050+1G>A variant is predicted to disrupt the GT donor site and interfere with normal splicing. This variant has been reported in an individual with hypoparathyroidism, deafness, and renal dysplasia (HDR) syndrome (Takai et al. 2024. PubMed ID: 37640596), and an alternate variant at the same position (c.1050+1G>C) has been reported in an individual with HDR syndrome (Fukami et al. 2011. PubMed ID: 21242646). This variant is absent from a large population database (gnomAD), indicating this variant is rare. Variants that disrupt the consensus splice donor site in GATA3 are expected to be pathogenic. This variant is interpreted as pathogenic.

NM_001002295.2(GATA3):c.1050+1G>A

Gene: GATA3 (GATA binding protein 3; plus strand). Cytogenetic location: 10p14.
Variant type: single nucleotide variant.
Coding change: c.1050+1G>A on transcript NM_001002295.2 (MANE Select); the canonical splice donor site of the intron after coding-DNA position 1050, G replaced by A.
Molecular consequence: splice donor variant.
Genome position (GRCh38, 1-based): chr10:8,069,599, G>A. VCF-style: chr10-8069599-G-A. GRCh37 (hg19) VCF-style: chr10-8111562-G-A.
Other names: c.1050+1G>A (NM_001441116.1, NM_001441118.1, NM_001441117.1 and 9 more transcripts); c.1047+1G>A (NM_001441124.1, NM_001441132.1, NM_001441125.1 and 5 more transcripts); c.904+1G>A (NM_001441134.1); c.171+1G>A (NM_001441135.1).
Identifiers: ClinVar variation 4990834 (VCV004990834.1).